The following is an entry in ClinVar:

NM_000466.3(PEX1):c.896A>G (p.Asn299Ser)

Gene: PEX1 (peroxisomal biogenesis factor 1; minus strand). Cytogenetic location: 7q21.2.
Variant type: single nucleotide variant.
Coding change: c.896A>G on transcript NM_000466.3 (MANE Select); coding-DNA position 896, A replaced by G.
Protein change: p.Asn299Ser; replaces asparagine 299 with serine.
Molecular consequence: missense variant.
Genome position (GRCh38, 1-based): chr7:92,517,619, T>C on the plus strand (A>G on the coding strand, the complement: PEX1 is on the minus strand). VCF-style: chr7-92517619-T-C. GRCh37 (hg19) VCF-style: chr7-92146933-T-C.
Other names: c.896A>G, p.Asn299Ser (NM_001282677.2); c.272A>G, p.Asn91Ser (NM_001282678.2); short protein forms N299S, N91S.
Identifiers: ClinVar variation 2189627 (VCV002189627.4), dbSNP rs1792856155, ClinGen allele CA368199140.

ClinVar aggregate classification (germline): Uncertain significance (1 of 4 stars; one submission).

Conditions:
Zellweger spectrum disorders (ZS). Also called: Zellweger Spectrum Disorder; Zellweger Spectrum; Zellweger syndrome; Zellweger Spectrum Disorder (ZSD). Identifiers: Orphanet 912, MedGen C0043459, MONDO:0019609.

Allele frequency attached by ClinVar (database versions not stated): TOPMed 0.00001.

Submission:

Labcorp Genetics (formerly Invitae), Labcorp
Classification: Uncertain significance for Zellweger spectrum disorders. Last evaluated: 2022-06-03. Review status: criteria provided, single submitter. Criteria: Invitae Variant Classification Sherloc (09022015). Collection method: clinical testing. Allele origin: germline.
Comment: Advanced modeling of protein sequence and biophysical properties (such as structural, functional, and spatial information, amino acid conservation, physicochemical variation, residue mobility, and thermodynamic stability) performed at Invitae indicates that this missense variant is not expected to disrupt PEX1 protein function. In summary, the available evidence is currently insufficient to determine the role of this variant in disease. Therefore, it has been classified as a Variant of Uncertain Significance. This variant has not been reported in the literature in individuals affected with PEX1-related conditions. This sequence change replaces asparagine, which is neutral and polar, with serine, which is neutral and polar, at codon 299 of the PEX1 protein (p.Asn299Ser). This variant is not present in population databases (gnomAD no frequency).